The following is an entry in ClinVar:

ClinVar aggregate classification (germline): Uncertain significance (1 of 4 stars; one submission).

Conditions:
Cataract 30 (CTRCT30). Also called: CATARACT 30, PULVERULENT. Identifiers: Orphanet 91492, Orphanet 98984, Orphanet 98992, MedGen C3805411, MONDO:0007286, OMIM 116300.

Allele frequency attached by ClinVar (database versions not stated): gnomAD exomes below 0.00001; TOPMed below 0.00001.

Submission:

Labcorp Genetics (formerly Invitae), Labcorp
Classification: Uncertain significance for Cataract 30. Last evaluated: 2021-11-13. Review status: criteria provided, single submitter. Criteria: Invitae Variant Classification Sherloc (09022015). Collection method: clinical testing. Allele origin: germline.
Comment: Algorithms developed to predict the effect of missense changes on protein structure and function (SIFT, PolyPhen-2, Align-GVGD) all suggest that this variant is likely to be disruptive. In summary, the available evidence is currently insufficient to determine the role of this variant in disease. Therefore, it has been classified as a Variant of Uncertain Significance. This variant has not been reported in the literature in individuals affected with VIM-related conditions. This sequence change replaces glutamic acid, which is acidic and polar, with glutamine, which is neutral and polar, at codon 200 of the VIM protein (p.Glu200Gln). This variant is present in population databases (no rsID available, gnomAD 0.0009%).

NM_003380.5(VIM):c.598G>C (p.Glu200Gln)

Gene: VIM (vimentin; plus strand). Cytogenetic location: 10p13.
Variant type: single nucleotide variant.
Coding change: c.598G>C on transcript NM_003380.5 (MANE Select); coding-DNA position 598, G replaced by C.
Protein change: p.Glu200Gln; replaces glutamic acid 200 with glutamine.
Molecular consequence: missense variant.
Genome position (GRCh38, 1-based): chr10:17,230,684, G>C. VCF-style: chr10-17230684-G-C. GRCh37 (hg19) VCF-style: chr10-17272683-G-C.
Other names: short protein forms E200Q.
Identifiers: ClinVar variation 1486484 (VCV001486484.6), dbSNP rs1037734535, ClinGen allele CA203596490.